The following is an entry in ClinVar:

ClinVar aggregate classification (germline): Uncertain significance (1 of 4 stars; one submission).

gnomAD v4.1: 34 of 1,614,126 alleles (0.0021%); highest among the groups gnomAD compares: East Asian, 0.0045%; no homozygotes.

Submission:

Women's Health and Genetics/Laboratory Corporation of America, LabCorp
Classification: Uncertain significance. Last evaluated: 2024-09-10. Review status: criteria provided, single submitter. Criteria: LabCorp Variant Classification Summary - May 2015. Collection method: clinical testing. Allele origin: germline.
Comment: Variant summary: LAMA1 c.176G>A (p.Arg59Gln) results in a conservative amino acid change located in the laminin, N-terminal domain (IPR008211) of the encoded protein sequence. Four of five in-silico tools predict a benign effect of the variant on protein function. The variant allele was found at a frequency of 2e-05 in 251202 control chromosomes. The available data on variant occurrences in the general population are insufficient to allow any conclusion about variant significance. c.176G>A has been reported in the literature in at least one individual affected with inherited retinal disease (Weisschuh_2024). These report(s) do not provide unequivocal conclusions about association of the variant with Ataxia-Intellectual Disability-Oculomotor Apraxia-Cerebellar Cysts Syndrome. To our knowledge, no experimental evidence demonstrating an impact on protein function has been reported. The following publication have been ascertained in the context of this evaluation (PMID: 37734845). No submitters have cited clinical-significance assessments for this variant to ClinVar. Based on the evidence outlined above, the variant was classified as uncertain significance.

Literature cited by the submitters: PubMed 37734845.

NM_005559.4(LAMA1):c.176G>A (p.Arg59Gln)

Gene: LAMA1 (laminin subunit alpha 1; minus strand). Cytogenetic location: 18p11.31.
Variant type: single nucleotide variant.
Coding change: c.176G>A on transcript NM_005559.4 (MANE Select); coding-DNA position 176, G replaced by A.
Protein change: p.Arg59Gln; replaces arginine 59 with glutamine.
Molecular consequence: missense variant.
Genome position (GRCh38, 1-based): chr18:7,080,343, C>T on the plus strand (G>A on the coding strand, the complement: LAMA1 is on the minus strand). VCF-style: chr18-7080343-C-T. GRCh37 (hg19) VCF-style: chr18-7080342-C-T.
Other names: short protein forms R59Q.
Identifiers: ClinVar variation 3374939 (VCV003374939.1).